The following is an entry in ClinVar:

ClinVar aggregate classification (germline): Uncertain significance. Review status: criteria provided, multiple submitters, no conflicts (2 of 4 stars). 3 submissions from 3 submitters: Uncertain significance (3). Last evaluated 2026-03-15.

Conditions:
Inborn genetic diseases. Identifiers: MedGen C0950123, MeSH D030342.
PKD1L1-related disorder. Also called: PKD1L1-related condition.

gnomAD v4.1: 14 of 1,614,208 alleles (0.00087%); highest among the groups gnomAD compares: East Asian, 0.0045%; no homozygotes.

Submissions (3):

PreventionGenetics, part of Exact Sciences
Classification: Uncertain significance for PKD1L1-related condition. Last evaluated: 2026-03-15. Review status: criteria provided, single submitter. Criteria: ACMG Guidelines, 2015. Collection method: clinical testing. Allele origin: germline.
Comment: The PKD1L1 c.3031G>A variant is predicted to result in the amino acid substitution p.Glu1011Lys. To our knowledge, this variant has not been reported in the literature. This variant is reported in 0.0054% of alleles in individuals of East Asian descent in gnomAD. At this time, the clinical significance of this variant is uncertain due to the absence of conclusive functional and genetic evidence.

Labcorp Genetics (formerly Invitae), Labcorp
Classification: Uncertain significance. Last evaluated: 2025-12-06. Review status: criteria provided, single submitter. Criteria: Invitae Variant Classification Sherloc (09022015). Collection method: clinical testing. Allele origin: germline.
Comment: This sequence change replaces glutamic acid, which is acidic and polar, with lysine, which is basic and polar, at codon 1011 of the PKD1L1 protein (p.Glu1011Lys). This variant is not present in population databases (gnomAD no frequency). This variant has not been reported in the literature in individuals affected with PKD1L1-related conditions. ClinVar contains an entry for this variant (Variation ID: 3352795). Invitae Evidence Modeling of protein sequence and biophysical properties (such as structural, functional, and spatial information, amino acid conservation, physicochemical variation, residue mobility, and thermodynamic stability) indicates that this missense variant is not expected to disrupt PKD1L1 protein function with a negative predictive value of 80%. In summary, the available evidence is currently insufficient to determine the role of this variant in disease. Therefore, it has been classified as a Variant of Uncertain Significance.

Ambry Genetics
Classification: Uncertain significance for Inborn genetic diseases. Last evaluated: 2025-06-24. Review status: criteria provided, single submitter. Criteria: Ambry Variant Classification Scheme 2023. Collection method: clinical testing. Allele origin: germline.

NM_138295.5(PKD1L1):c.3031G>A (p.Glu1011Lys)

Gene: PKD1L1 (polycystin 1 like 1, transient receptor potential channel interacting; minus strand). Cytogenetic location: 7p12.3.
Variant type: single nucleotide variant.
Coding change: c.3031G>A on transcript NM_138295.5 (MANE Select); coding-DNA position 3031, G replaced by A.
Protein change: p.Glu1011Lys; replaces glutamic acid 1011 with lysine.
Molecular consequence: missense variant.
Genome position (GRCh38, 1-based): chr7:47,885,860, C>T on the plus strand (G>A on the coding strand, the complement: PKD1L1 is on the minus strand). VCF-style: chr7-47885860-C-T. GRCh37 (hg19) VCF-style: chr7-47925458-C-T.
Other names: short protein forms E1011K.
Identifiers: ClinVar variation 3352795 (VCV003352795.4).